The following is an entry in ClinVar:

ClinVar aggregate classification (germline): Pathogenic (1 of 4 stars; one submission).

Conditions:
Congenital myotonia, autosomal dominant form (THD). Also called: THOMSEN DISEASE; Myotonia congenita autosomal dominant. Identifiers: Orphanet 614, MedGen C2936781, MONDO:0008055, OMIM 160800.
Congenital myotonia, autosomal recessive form. Also called: Becker Generalized Myotonia; myotonia congenita, autosomal recessive; BECKER DISEASE. Identifiers: Orphanet 614, MedGen C0751360, MONDO:0009715, OMIM 255700.

Submission:

Labcorp Genetics (formerly Invitae), Labcorp
Classification: Pathogenic for Congenital myotonia, autosomal recessive form; Congenital myotonia, autosomal dominant form. Last evaluated: 2023-04-19. Review status: criteria provided, single submitter. Criteria: Invitae Variant Classification Sherloc (09022015). Collection method: clinical testing. Allele origin: germline.
Comment: This variant is not present in population databases (gnomAD no frequency). For these reasons, this variant has been classified as Pathogenic. Algorithms developed to predict the effect of sequence changes on RNA splicing suggest that this variant may disrupt the consensus splice site. ClinVar contains an entry for this variant (Variation ID: 1072179). Disruption of this splice site has been observed in individual(s) with clinical features of myotonia (Invitae). In at least one individual the data is consistent with being in trans (on the opposite chromosome) from a pathogenic variant. This sequence change affects an acceptor splice site in intron 13 of the CLCN1 gene. It is expected to disrupt RNA splicing. Variants that disrupt the donor or acceptor splice site typically lead to a loss of protein function (PMID: 16199547), and loss-of-function variants in CLCN1 are known to be pathogenic (PMID: 17932099, 22094069, 23739125).

Literature cited by the submitters: PubMed 16199547; PubMed 17932099; PubMed 22094069; PubMed 23739125.

NM_000083.3(CLCN1):c.1472-2A>G

Gene: CLCN1 (chloride voltage-gated channel 1; plus strand). Cytogenetic location: 7q34.
Variant type: single nucleotide variant.
Coding change: c.1472-2A>G on transcript NM_000083.3 (MANE Select); the canonical splice acceptor site of the intron before coding-DNA position 1472, A replaced by G.
Molecular consequence: splice acceptor variant.
Genome position (GRCh38, 1-based): chr7:143,339,509, A>G. VCF-style: chr7-143339509-A-G. GRCh37 (hg19) VCF-style: chr7-143036602-A-G.
Identifiers: ClinVar variation 1072179 (VCV001072179.9), dbSNP rs2116865174, ClinGen allele CA369645512.